The following is an entry in ClinVar:

NM_001148.6(ANK2):c.10392G>A (p.Lys3464=)

Gene: ANK2 (ankyrin 2; plus strand). Cytogenetic location: 4q26.
Variant type: single nucleotide variant.
Coding change: c.10392G>A on transcript NM_001148.6 (MANE Select); coding-DNA position 10392, G replaced by A.
Protein change: p.Lys3464=; no amino-acid change (lysine 3464 retained).
Molecular consequence: synonymous variant. On other transcripts: intron variant (68).
Genome position (GRCh38, 1-based): chr4:113,359,010, G>A. VCF-style: chr4-113359010-G-A. GRCh37 (hg19) VCF-style: chr4-114280166-G-A.
Other names: c.10158G>A, p.Lys3386= (NM_001386142.1); c.6792G>A, p.Lys2264= (NM_001386166.1); c.10533G>A, p.Lys3511= (NM_001386174.1); c.10509G>A, p.Lys3503= (NM_001386175.1); c.4412-1813G>A (NM_001386186.2, NM_001386148.2); c.4214-1813G>A (NM_001354269.3); c.4292-1813G>A (NM_001386187.2); c.4253-1813G>A (NM_001386147.1); and 35 more.
Identifiers: ClinVar variation 513543 (VCV000513543.13), dbSNP rs566264323, ClinGen allele CA3052069.
Genomic context (GRCh38, chr4:113,359,010, plus strand): 5'-TAAGAGCAGAAGCACTACATCTTCCTGCAGGGGGGGCACGAGCCCCACAAAAGAAAGTAA[G>A]GAGCATTTCTTTGACCTTTACAGAAATTCCATAGAATTCTTTGAGGAGATTAGTGATGAG-3'
Protein context (NP_001139.3, residues 3454-3474): RGGTSPTKES[Lys3464=]EHFFDLYRNS

ClinVar aggregate classification (germline): Benign/Likely benign. Review status: criteria provided, multiple submitters, no conflicts (2 of 4 stars). 4 submissions from 4 submitters: Benign (2); Likely benign (2). Last evaluated 2024-08-19.

Conditions:
Cardiovascular phenotype. Identifiers: MedGen CN230736.
Long QT syndrome (LQTS). Identifiers: MedGen C0023976, MeSH D008133, MONDO:0002442. Disease mechanism: loss of function. Inheritance: Various modes of inheritance.
Cardiac arrhythmia, ankyrin-B-related. Also called: ANKYRIN-B SYNDROME. Identifiers: Orphanet 101016, Orphanet 768, MedGen C1970119, MONDO:0010958, OMIM 600919.

Allele frequency attached by ClinVar (database versions not stated): gnomAD 0.00004; TOPMed 0.00005; gnomAD exomes 0.00009; ExAC 0.00011; 1000 Genomes Project 30x 0.00016; 1000 Genomes Project 0.00020.
gnomAD v4.1: 38 of 1,614,108 alleles (0.0024%); highest among the groups gnomAD compares: East Asian, 0.08%; no homozygotes.

Submissions (4):

Labcorp Genetics (formerly Invitae), Labcorp
Classification: Benign for Long QT syndrome. Last evaluated: 2024-08-19. Review status: criteria provided, single submitter. Criteria: Invitae Variant Classification Sherloc (09022015). Collection method: clinical testing. Allele origin: germline.

Ambry Genetics
Classification: Likely benign for Cardiovascular phenotype. Last evaluated: 2023-01-13. Review status: criteria provided, single submitter. Criteria: Ambry Variant Classification Scheme 2023. Collection method: clinical testing. Allele origin: germline.

Genome-Nilou Lab
Classification: Benign for Cardiac arrhythmia, ankyrin-B-related. Last evaluated: 2021-12-05. Review status: criteria provided, single submitter. Criteria: ACMG Guidelines, 2015. Collection method: clinical testing. Allele origin: germline. Affected: no.

GeneDx
Classification: Likely benign. Last evaluated: 2017-11-22. Review status: criteria provided, single submitter. Criteria: GeneDx Variant Classification (06012015). Collection method: clinical testing. Allele origin: germline. Affected: yes.
Comment: This variant is considered likely benign or benign based on one or more of the following criteria: it is a conservative change, it occurs at a poorly conserved position in the protein, it is predicted to be benign by multiple in silico algorithms, and/or has population frequency not consistent with disease.